The following is an entry in ClinVar:

ClinVar aggregate classification (germline): Uncertain significance (1 of 4 stars; one submission).

Conditions:
Neurofibromatosis, type 2 (SWNV). Also called: BILATERAL ACOUSTIC NEUROFIBROMATOSIS; NF2-Related Schwannomatosis; SCHWANNOMATOSIS, VESTIBULAR. Identifiers: Orphanet 637, MedGen C0027832, MONDO:0007039, OMIM 101000. Disease mechanism: loss of function.

Submission:

Labcorp Genetics (formerly Invitae), Labcorp
Classification: Uncertain significance for Neurofibromatosis, type 2. Last evaluated: 2024-04-10. Review status: criteria provided, single submitter. Criteria: Invitae Variant Classification Sherloc (09022015). Collection method: clinical testing. Allele origin: germline.
Comment: This sequence change replaces cysteine, which is neutral and slightly polar, with arginine, which is basic and polar, at codon 133 of the NF2 protein (p.Cys133Arg). This variant is not present in population databases (gnomAD no frequency). This missense change has been observed in individuals with clinical features of neurofibromatosis type 2 (PMID: 20445339; Invitae). Advanced modeling of protein sequence and biophysical properties (such as structural, functional, and spatial information, amino acid conservation, physicochemical variation, residue mobility, and thermodynamic stability) performed at Invitae indicates that this missense variant is expected to disrupt NF2 protein function with a positive predictive value of 80%. In summary, the available evidence is currently insufficient to determine the role of this variant in disease. Therefore, it has been classified as a Variant of Uncertain Significance.

Literature cited by the submitters: PubMed 20445339.

NM_000268.4(NF2):c.397T>C (p.Cys133Arg)

Gene: NF2 (NF2, moesin-ezrin-radixin like (MERLIN) tumor suppressor; plus strand). Cytogenetic location: 22q12.2.
Variant type: single nucleotide variant.
Coding change: c.397T>C on transcript NM_000268.4 (MANE Select); coding-DNA position 397, T replaced by C.
Protein change: p.Cys133Arg; replaces cysteine 133 with arginine.
Molecular consequence: missense variant. On other transcripts: 5 prime UTR variant (1), non-coding transcript variant (1).
Genome position (GRCh38, 1-based): chr22:29,642,235, T>C. VCF-style: chr22-29642235-T-C. GRCh37 (hg19) VCF-style: chr22-30038224-T-C.
Other names: c.283T>C, p.Cys95Arg (NM_001407053.1, NM_001407056.1); c.274T>C, p.Cys92Arg (NM_001407054.1, NM_001407058.1, NM_001407062.1 and 1 more transcripts); c.271T>C, p.Cys91Arg (NM_001407055.1, NM_181828.3); c.397T>C, p.Cys133Arg (NM_001407057.1, NM_001407059.1, NM_001407060.1 and 5 more transcripts); c.148T>C, p.Cys50Arg (NM_001407063.1, NM_001407064.1, NM_181830.3 and 1 more transcripts); c.-244T>C (NM_001407065.1); c.166T>C, p.Cys56Arg (NM_001407067.1); short protein forms C133R, C56R, C95R, C91R, C92R, C50R.
Identifiers: ClinVar variation 3723940 (VCV003723940.2).